The following is an entry in ClinVar:

ClinVar aggregate classification (germline): Likely pathogenic. Review status: criteria provided, single submitter (1 of 4 stars). 2 submissions from 2 submitters: Likely pathogenic (1). 1 of the submissions does not count toward it. Last evaluated 2023-03-20.

Conditions:
Dilated cardiomyopathy 1G (CMD1G). Identifiers: Orphanet 154, MedGen C1858763, MONDO:0011400, OMIM 604145.

Submissions (2):

GeneDx
Classification: Likely pathogenic. Last evaluated: 2023-03-20. Review status: criteria provided, single submitter. Criteria: GeneDx Variant Classification Process June 2021. Collection method: clinical testing. Allele origin: germline. Affected: yes.
Comment: Frameshift variant predicted to result in protein truncation or nonsense mediated decay in a gene for which loss of function is a known mechanism of disease; Not observed at significant frequency in large population cohorts (gnomAD); Located in the A-band region of TTN in which the majority of loss of function variants have been associated with autosomal dominant titinopathies (Herman et al., 2012); Identified in association with cardiomyopathy in published literature (Stava et al., 2022); This variant is associated with the following publications: (PMID: 22335739, 35653365)

Cardiogenetics and Myogenetics Molecular and Cellular Functional Unit, Aphp Sorbonne University-Hopital Pitie Salpetriere
Classification: Likely pathogenic for Dilated cardiomyopathy 1G. Last evaluated: 2024-01-06. Review status: no assertion criteria provided. Collection method: clinical testing. Allele origin: germline. Affected: yes. Not counted in ClinVar's aggregate classification.

NM_001267550.2(TTN):c.58797del (p.Trp19600fs)

Genes: TTN-AS1 (TTN antisense RNA 1; plus strand), TTN (titin; minus strand). Cytogenetic location: 2q31.2.
Variant type: Deletion.
Coding change: c.58797del on transcript NM_001267550.2 (MANE Select); coding-DNA position 58797, one base deleted (C; older notation c.58797delC).
Protein change: p.Trp19600fs; shifts the reading frame from tryptophan 19600.
Molecular consequence: frameshift variant.
Genome position (GRCh38, 1-based): chr2:178,593,411, G deleted on the plus strand (C on the coding strand, the reverse complement: TTN is on the minus strand); the first of 2 consecutive G bases (chr2:178,593,411-178,593,412); deleting either gives the same sequence. VCF-style (leftmost placement, unchanged base first): chr2-178593410-AG-A. GRCh37 (hg19) VCF-style: chr2-179458137-AG-A.
Other names: c.53874del, p.Trp17959fs (NM_001256850.1); c.58796delC, p.Trp19600Glyfs (NM_001267550.1); c.31602del, p.Trp10535fs (NM_003319.4); c.51093del, p.Trp17032fs (NM_133378.4); c.31977del, p.Trp10660fs (NM_133432.3); c.32178del, p.Trp10727fs (NM_133437.4); short protein forms W10535fs, W10660fs, W10727fs, W17032fs, W17959fs, W19600fs.
Identifiers: ClinVar variation 2580549 (VCV002580549.2), dbSNP rs2469576978, ClinGen allele CA2577170710.